The following is an entry in ClinVar:

ClinVar aggregate classification (germline): Uncertain significance (1 of 4 stars; one submission).

Conditions:
Early Myoclonic Encephalopathy. Identifiers: MedGen C0270855.

gnomAD v4.1: 10 of 1,606,718 alleles (0.00062%); highest among the groups gnomAD compares: Admixed American, 0.0034%; no homozygotes.

Submission:

Labcorp Genetics (formerly Invitae), Labcorp
Classification: Uncertain significance for Early Myoclonic Encephalopathy. Last evaluated: 2024-04-18. Review status: criteria provided, single submitter. Criteria: Invitae Variant Classification Sherloc (09022015). Collection method: clinical testing. Allele origin: germline.
Comment: This sequence change replaces isoleucine, which is neutral and non-polar, with valine, which is neutral and non-polar, at codon 1603 of the JMJD1C protein (p.Ile1603Val). This variant is present in population databases (no rsID available, gnomAD 0.007%). This variant has not been reported in the literature in individuals affected with JMJD1C-related conditions. Advanced modeling of protein sequence and biophysical properties (such as structural, functional, and spatial information, amino acid conservation, physicochemical variation, residue mobility, and thermodynamic stability) performed at Invitae indicates that this missense variant is not expected to disrupt JMJD1C protein function with a negative predictive value of 80%. In summary, the available evidence is currently insufficient to determine the role of this variant in disease. Therefore, it has been classified as a Variant of Uncertain Significance.

NM_032776.3(JMJD1C):c.4807A>G (p.Ile1603Val)

Gene: JMJD1C (jumonji domain containing 1C; minus strand). Cytogenetic location: 10q21.3.
Variant type: single nucleotide variant.
Coding change: c.4807A>G on transcript NM_032776.3 (MANE Select); coding-DNA position 4807, A replaced by G.
Protein change: p.Ile1603Val; replaces isoleucine 1603 with valine.
Molecular consequence: missense variant. On other transcripts: non-coding transcript variant (1).
Genome position (GRCh38, 1-based): chr10:63,206,862, T>C on the plus strand (A>G on the coding strand, the complement: JMJD1C is on the minus strand). VCF-style: chr10-63206862-T-C. GRCh37 (hg19) VCF-style: chr10-64966622-T-C.
Other names: c.4261A>G, p.Ile1421Val (NM_001282948.2, NM_001318154.2); c.3943A>G, p.Ile1315Val (NM_001318153.2); c.4693A>G, p.Ile1565Val (NM_001322252.2); c.4150A>G, p.Ile1384Val (NM_001322254.2, NM_001322258.2); short protein forms I1315V, I1384V, I1421V, I1565V, I1603V.
Identifiers: ClinVar variation 3622482 (VCV003622482.2).